The following is an entry in ClinVar:

NM_006231.4(POLE):c.3528T>A (p.Asp1176Glu)

Gene: POLE (DNA polymerase epsilon, catalytic subunit; minus strand). Cytogenetic location: 12q24.33.
Variant type: single nucleotide variant.
Coding change: c.3528T>A on transcript NM_006231.4 (MANE Select); coding-DNA position 3528, T replaced by A.
Protein change: p.Asp1176Glu; replaces aspartic acid 1176 with glutamic acid.
Molecular consequence: missense variant.
Genome position (GRCh38, 1-based): chr12:132,657,190, A>T on the plus strand (T>A on the coding strand, the complement: POLE is on the minus strand). VCF-style: chr12-132657190-A-T. GRCh37 (hg19) VCF-style: chr12-133233776-A-T.
Other names: short protein forms D1176E.
Identifiers: ClinVar variation 4862278 (VCV004862278.1).

ClinVar aggregate classification (germline): Uncertain significance (1 of 4 stars; one submission).

Conditions:
Hereditary cancer-predisposing syndrome. Also called: Neoplastic Syndromes, Hereditary; Tumor predisposition; Hereditary Cancer Syndrome; Hereditary neoplastic syndrome. Identifiers: Orphanet 140162, MedGen C0027672, MeSH D009386, MONDO:0015356.

Submission:

Ambry Genetics
Classification: Uncertain significance for Hereditary cancer-predisposing syndrome. Last evaluated: 2026-04-22. Review status: criteria provided, single submitter. Criteria: Ambry Variant Classification Scheme 2023. Collection method: clinical testing. Allele origin: germline.
Comment: The p.D1176E variant (also known as c.3528T>A), located in coding exon 29 of the POLE gene, results from a T to A substitution at nucleotide position 3528. The aspartic acid at codon 1176 is replaced by glutamic acid, an amino acid with highly similar properties. This amino acid position is conserved. In addition, this alteration is predicted to be tolerated by in silico analysis. Based on the available evidence, the clinical significance of this variant remains unclear.